The following is an entry in ClinVar:

NM_198525.3(KIF7):c.2530G>T (p.Glu844Ter)

Gene: KIF7 (kinesin family member 7; minus strand). Cytogenetic location: 15q26.1.
Variant type: single nucleotide variant.
Coding change: c.2530G>T on transcript NM_198525.3 (MANE Select); coding-DNA position 2530, G replaced by T.
Protein change: p.Glu844Ter; replaces glutamic acid 844 with a stop codon.
Molecular consequence: nonsense.
Genome position (GRCh38, 1-based): chr15:89,633,748, C>A on the plus strand (G>T on the coding strand, the complement: KIF7 is on the minus strand). VCF-style: chr15-89633748-C-A. GRCh37 (hg19) VCF-style: chr15-90176979-C-A.
Other names: short protein forms E844*.
Identifiers: ClinVar variation 2275645 (VCV002275645.3), dbSNP rs760348444, ClinGen allele CA393759689.
Genomic context (GRCh38, chr15:89,633,748, plus strand): 5'-TGACGCGGTGCTGCCGCTTGCTCATTTCTGCCTCCAGGCGCCGCTTCTGCTCCGTCTCCT[C>A]GCGAAGCCGCCTCTGCAGCTGTCCCTGCTGCTGCCGCATGAGCTGCACGTTCCGCTCGAG-3'

ClinVar aggregate classification (germline): Pathogenic. Review status: criteria provided, multiple submitters, no conflicts (2 of 4 stars). 2 submissions from 2 submitters: Pathogenic (2). Last evaluated 2025-07-18.

Conditions:
Inborn genetic diseases. Identifiers: MedGen C0950123, MeSH D030342.
Acrocallosal syndrome (ACLS). Also called: HALLUX DUPLICATION, POSTAXIAL POLYDACTYLY, AND ABSENCE OF CORPUS CALLOSUM; Schinzel syndrome 1; Absence of corpus callosum with unusual facial appearance, mental deficiency, duplication of the halluces and polydactyly. Identifiers: Orphanet 36, MedGen C0796147, MONDO:0008708, OMIM 200990.

Submissions (2):

Women's Health and Genetics/Laboratory Corporation of America, LabCorp
Classification: Pathogenic for Acrocallosal syndrome. Last evaluated: 2025-07-18. Review status: criteria provided, single submitter. Criteria: LabCorp Variant Classification Summary - May 2015. Collection method: clinical testing. Allele origin: germline.
Comment: Variant summary: KIF7 c.2530G>T (p.Glu844X) results in a premature termination codon, predicted to cause a truncation of the encoded protein or absence of the protein due to nonsense mediated decay, which are commonly known mechanisms for disease. The variant was absent in 246892 control chromosomes (gnomAD). To our knowledge, no occurrence of c.2530G>T in individuals affected with Acrocallosal Syndrome/Joubert Syndrome 12 and no experimental evidence demonstrating its impact on protein function have been reported. ClinVar contains an entry for this variant (Variation ID: 2275645). Based on the evidence outlined above, the variant was classified as pathogenic.

Ambry Genetics
Classification: Pathogenic for Inborn genetic diseases. Last evaluated: 2022-03-15. Review status: criteria provided, single submitter. Criteria: Ambry Variant Classification Scheme 2023. Collection method: clinical testing. Allele origin: germline.
Comment: The c.2530G>T (p.E844*) alteration, located in exon 12 (coding exon 11) of the KIF7 gene, consists of a G to T substitution at nucleotide position 2530. This changes the amino acid from a glutamic acid (E) to a stop codon at amino acid position 844. This alteration is expected to result in loss of function by premature protein truncation or nonsense-mediated mRNA decay. This variant was not reported in population-based cohorts in the Genome Aggregation Database (gnomAD). Based on the available evidence, this alteration is classified as pathogenic.